The following is an entry in ClinVar:

NM_004304.5(ALK):c.1837G>C (p.Ala613Pro)

Gene: ALK (ALK receptor tyrosine kinase; minus strand). Cytogenetic location: 2p23.2.
Variant type: single nucleotide variant.
Coding change: c.1837G>C on transcript NM_004304.5 (MANE Select); coding-DNA position 1837, G replaced by C.
Protein change: p.Ala613Pro; replaces alanine 613 with proline.
Molecular consequence: missense variant.
Genome position (GRCh38, 1-based): chr2:29,275,477, C>G on the plus strand (G>C on the coding strand, the complement: ALK is on the minus strand). VCF-style: chr2-29275477-C-G. GRCh37 (hg19) VCF-style: chr2-29498343-C-G.
Other names: c.1837G>C (NM_004304.4); short protein forms A613P.
Identifiers: ClinVar variation 2818358 (VCV002818358.4), dbSNP rs61744521, ClinGen allele CA44665751.
Genomic context (GRCh38, chr2:29,275,477, plus strand): 5'-CCAGGCTGATGGAGATATTGTCAAAAGCCACGATGGCTCTGGATCCTTGTCCCCACCATG[C>G]GACCATCTGCAGCCAGAACCTGTACACATCAAGAGGAATGTGTGTGAGGAGCAAACTGGG-3'
Protein context (NP_004295.2, residues 603-623): VSDRFWLQMV[Ala613Pro]WWGQGSRAIV

ClinVar aggregate classification (germline): Uncertain significance. Review status: criteria provided, multiple submitters, no conflicts (2 of 4 stars). 2 submissions from 2 submitters: Uncertain significance (2). Last evaluated 2025-11-24.

Conditions:
Hereditary cancer-predisposing syndrome. Also called: Neoplastic Syndromes, Hereditary; Hereditary Cancer Syndrome; Hereditary neoplastic syndrome; Tumor predisposition. Identifiers: Orphanet 140162, MedGen C0027672, MeSH D009386, MONDO:0015356.
Neuroblastoma, susceptibility to, 3. Also called: ALK-Related Neuroblastic Tumor Susceptibility. Identifiers: Orphanet 635, MedGen C2751681, MONDO:0013083, OMIM 613014.

gnomAD v4.1: 1 of 1,614,080 alleles (0.000062%); highest among the groups gnomAD compares: Non-Finnish European, 0.000085%; no homozygotes.

Submissions (2):

Ambry Genetics
Classification: Uncertain significance for Hereditary cancer-predisposing syndrome. Last evaluated: 2025-11-24. Review status: criteria provided, single submitter. Criteria: Ambry Variant Classification Scheme 2023. Collection method: clinical testing. Allele origin: germline.
Comment: The p.A613P variant (also known as c.1837G>C), located in coding exon 10 of the ALK gene, results from a G to C substitution at nucleotide position 1837. The alanine at codon 613 is replaced by proline, an amino acid with highly similar properties. This amino acid position is conserved. In addition, this alteration is predicted to be tolerated by in silico analysis. Based on the available evidence, the clinical significance of this variant remains unclear.

Labcorp Genetics (formerly Invitae), Labcorp
Classification: Uncertain significance for Neuroblastoma, susceptibility to, 3. Last evaluated: 2022-12-03. Review status: criteria provided, single submitter. Criteria: Invitae Variant Classification Sherloc (09022015). Collection method: clinical testing. Allele origin: germline.
Comment: This variant has not been reported in the literature in individuals affected with ALK-related conditions. This sequence change replaces alanine, which is neutral and non-polar, with proline, which is neutral and non-polar, at codon 613 of the ALK protein (p.Ala613Pro). This variant is not present in population databases (gnomAD no frequency). Algorithms developed to predict the effect of missense changes on protein structure and function are either unavailable or do not agree on the potential impact of this missense change (SIFT: "Deleterious"; PolyPhen-2: "Possibly Damaging"; Align-GVGD: "Class C0"). In summary, the available evidence is currently insufficient to determine the role of this variant in disease. Therefore, it has been classified as a Variant of Uncertain Significance.